The following is an entry in ClinVar:

NM_032043.3(BRIP1):c.3455_3467del (p.Thr1152fs)

Gene: BRIP1 (BRCA1 interacting DNA helicase 1; minus strand). Cytogenetic location: 17q23.2.
Variant type: Deletion.
Coding change: c.3455_3467del on transcript NM_032043.3 (MANE Select); coding-DNA positions 3455 to 3467, 13 bases deleted (CTGATAGAGGAAA).
Protein change: p.Thr1152fs; shifts the reading frame from threonine 1152.
Molecular consequence: frameshift variant.
Genome position (GRCh38, 1-based): chr17:61,683,579-61,683,591, TTTCCTCTATCAG deleted on the plus strand (CTGATAGAGGAAA on the coding strand, the reverse complement: BRIP1 is on the minus strand); deleting any 13 consecutive bases within chr17:61,683,579-61,683,595 gives the same sequence; the c. name uses the placement nearest the transcript's 3' end. VCF-style (leftmost placement, unchanged base first): chr17-61683578-ATTTCCTCTATCAG-A. GRCh37 (hg19) VCF-style: chr17-59760939-ATTTCCTCTATCAG-A.
Other names: short protein forms T1152fs.
Identifiers: ClinVar variation 2921911 (VCV002921911.4), dbSNP rs2544555321, ClinGen allele CA2740093828.

ClinVar aggregate classification (germline): Uncertain significance. Review status: criteria provided, multiple submitters, no conflicts (2 of 4 stars). 2 submissions from 2 submitters: Uncertain significance (2). Last evaluated 2024-01-03.

Conditions:
Familial cancer of breast. Also called: hereditary breast carcinoma; BREAST CANCER, FAMILIAL; Hereditary breast cancer. Identifiers: Orphanet 227535, MedGen C0346153, MONDO:0016419, OMIM 114480. Disease mechanism: loss of function.
Fanconi anemia complementation group J. Also called: BRIP1-Related Fanconi Anemia. Identifiers: Orphanet 84, MedGen C1836860, MONDO:0012187, OMIM 609054.

Submissions (2):

Labcorp Genetics (formerly Invitae), Labcorp
Classification: Uncertain significance for Familial cancer of breast; Fanconi anemia complementation group J. Last evaluated: 2024-01-03. Review status: criteria provided, single submitter. Criteria: Invitae Variant Classification Sherloc (09022015). Collection method: clinical testing. Allele origin: germline.
Comment: This sequence change creates a premature translational stop signal (p.Thr1152Ilefs*11) in the BRIP1 gene. While this is not anticipated to result in nonsense mediated decay, it is expected to disrupt the last 98 amino acid(s) of the BRIP1 protein. This variant is not present in population databases (gnomAD no frequency). This variant has not been reported in the literature in individuals affected with BRIP1-related conditions. Experimental studies and prediction algorithms are not available or were not evaluated, and the functional significance of this variant is currently unknown. In summary, the available evidence is currently insufficient to determine the role of this variant in disease. Therefore, it has been classified as a Variant of Uncertain Significance.

Baylor Genetics
Classification: Uncertain significance for Familial cancer of breast. Last evaluated: 2023-12-15. Review status: criteria provided, single submitter. Criteria: ACMG Guidelines, 2015. Collection method: clinical testing. Allele origin: unknown.